The following is an entry in ClinVar:

NM_003000.3(SDHB):c.523G>A (p.Glu175Lys)

Gene: SDHB (succinate dehydrogenase complex iron sulfur subunit B; minus strand). Cytogenetic location: 1p36.13.
Variant type: single nucleotide variant.
Coding change: c.523G>A on transcript NM_003000.3 (MANE Select); coding-DNA position 523, G replaced by A.
Protein change: p.Glu175Lys; replaces glutamic acid 175 with lysine.
Molecular consequence: missense variant.
Genome position (GRCh38, 1-based): chr1:17,027,766, C>T on the plus strand (G>A on the coding strand, the complement: SDHB is on the minus strand). VCF-style: chr1-17027766-C-T. GRCh37 (hg19) VCF-style: chr1-17354261-C-T.
Other names: short protein forms E175K.
Identifiers: ClinVar variation 664070 (VCV000664070.9), dbSNP rs202203339, ClinGen allele CA338272514.

ClinVar aggregate classification (germline): Uncertain significance. Review status: criteria provided, multiple submitters, no conflicts (2 of 4 stars). 2 submissions from 2 submitters: Uncertain significance (2). Last evaluated 2024-12-05.

Conditions:
Pheochromocytoma/paraganglioma syndrome 4. Also called: SDHB-Related Hereditary Paraganglioma-Pheochromocytoma Syndrome (Paragangliomas 4); SDHB-Related Hereditary Paraganglioma-Pheochromocytoma Syndrome; CAROTID BODY TUMORS AND MULTIPLE EXTRAADRENAL PHEOCHROMOCYTOMAS; PARAGANGLIOMA, FAMILIAL MALIGNANT; PARAGANGLIOMAS, HEREDITARY EXTRAADRENAL; PHEOCHROMOCYTOMA, FAMILIAL EXTRAADRENAL. Identifiers: Orphanet 29072, MedGen C1861848, MONDO:0007273, OMIM 115310.
Pheochromocytoma. Also called: MAX-Related Hereditary Paraganglioma-Pheochromocytoma Syndrome. Identifiers: Orphanet 29072, MedGen C0031511, MONDO:0008233, OMIM 171300, HP:0002666.
Gastrointestinal stromal tumor. Also called: Gastrointestinal stromal tumor, somatic; Gastrointestinal stroma tumor. Identifiers: Orphanet 44890, MedGen C0238198, MeSH D046152, MONDO:0011719, OMIM 606764, HP:0100723.
Hereditary cancer-predisposing syndrome. Also called: Neoplastic Syndromes, Hereditary; Tumor predisposition; Hereditary Cancer Syndrome; Hereditary neoplastic syndrome. Identifiers: Orphanet 140162, MedGen C0027672, MeSH D009386, MONDO:0015356.

Allele frequency attached by ClinVar (database versions not stated): gnomAD exomes below 0.00001.
gnomAD v4.1: 2 of 1,598,306 alleles (0.00013%); highest among the groups gnomAD compares: Admixed American, 0.0017%; no homozygotes.

Submissions (2):

Ambry Genetics
Classification: Uncertain significance for Hereditary cancer-predisposing syndrome. Last evaluated: 2024-12-05. Review status: criteria provided, single submitter. Criteria: Ambry Variant Classification Scheme 2023. Collection method: clinical testing. Allele origin: germline.
Comment: The p.E175K variant (also known as c.523G>A), located in coding exon 5 of the SDHB gene, results from a G to A substitution at nucleotide position 523. The glutamic acid at codon 175 is replaced by lysine, an amino acid with similar properties. This amino acid position is well conserved in available vertebrate species. In addition, this alteration is predicted to be deleterious by in silico analysis. Based on the available evidence, the clinical significance of this variant remains unclear.

Labcorp Genetics (formerly Invitae), Labcorp
Classification: Uncertain significance for Gastrointestinal stromal tumor; Pheochromocytoma/paraganglioma syndrome 4; Pheochromocytoma. Last evaluated: 2022-08-21. Review status: criteria provided, single submitter. Criteria: Invitae Variant Classification Sherloc (09022015). Collection method: clinical testing. Allele origin: germline.
Comment: In summary, the available evidence is currently insufficient to determine the role of this variant in disease. Therefore, it has been classified as a Variant of Uncertain Significance. Advanced modeling of protein sequence and biophysical properties (such as structural, functional, and spatial information, amino acid conservation, physicochemical variation, residue mobility, and thermodynamic stability) performed at Invitae indicates that this missense variant is not expected to disrupt SDHB protein function. This sequence change replaces glutamic acid, which is acidic and polar, with lysine, which is basic and polar, at codon 175 of the SDHB protein (p.Glu175Lys). This variant is present in population databases (no rsID available, gnomAD 0.003%). This variant has not been reported in the literature in individuals affected with SDHB-related conditions. ClinVar contains an entry for this variant (Variation ID: 664070).